The following is an entry in ClinVar:

NM_001376013.1(EPB41):c.1473dup (p.Thr492fs)

Gene: EPB41 (erythrocyte membrane protein band 4.1; plus strand). Cytogenetic location: 1p35.3.
Variant type: Duplication.
Coding change: c.1473dup on transcript NM_001376013.1 (MANE Select); coding-DNA position 1473, one base duplicated (T; older notation c.1473dupT).
Protein change: p.Thr492fs; shifts the reading frame from threonine 492.
Molecular consequence: frameshift variant.
Genome position (GRCh38, 1-based): chr1:29,039,263, T duplicated. VCF-style (leftmost placement, unchanged base first): chr1-29039262-C-CT. GRCh37 (hg19) VCF-style: chr1-29365774-C-CT.
Other names: c.846dup, p.Thr283fs (NM_001376028.1, NM_004437.4, NM_203342.3 and 7 more transcripts); c.1368dup, p.Thr457fs (NM_203343.3); c.1473dup, p.Thr492fs (NM_001166005.2, NM_001166006.2, NM_001376014.1 and 7 more transcripts); short protein forms T457fs, T283fs, T492fs.
Identifiers: ClinVar variation 2819907 (VCV002819907.3), dbSNP rs2548240487, ClinGen allele CA2739272433.

ClinVar aggregate classification (germline): Pathogenic (1 of 4 stars; one submission).

Submission:

Labcorp Genetics (formerly Invitae), Labcorp
Classification: Pathogenic. Last evaluated: 2024-01-09. Review status: criteria provided, single submitter. Criteria: Invitae Variant Classification Sherloc (09022015). Collection method: clinical testing. Allele origin: germline.
Comment: This sequence change creates a premature translational stop signal (p.Thr283Tyrfs*30) in the EPB41 gene. It is expected to result in an absent or disrupted protein product. Loss-of-function variants in EPB41 are known to be pathogenic (PMID: 21839655, 27551681, 27667160, 33942936). This variant is not present in population databases (gnomAD no frequency). This variant has not been reported in the literature in individuals affected with EPB41-related conditions. For these reasons, this variant has been classified as Pathogenic.

Literature cited by the submitters: PubMed 21839655; PubMed 27551681; PubMed 27667160; PubMed 33942936.